The following is an entry in ClinVar:

ClinVar aggregate classification (germline): Likely benign (1 of 4 stars; one submission).

gnomAD v4.1: 13 of 1,099,114 alleles (0.0012%); highest among the groups gnomAD compares: East Asian, 0.011%; no homozygotes.

Submission:

CeGaT Center for Human Genetics Tuebingen
Classification: Likely benign. Last evaluated: 2026-03-01. Review status: criteria provided, single submitter. Criteria: CeGaT Center For Human Genetics Tuebingen Variant Classification Criteria Version 2. Collection method: clinical testing. Allele origin: germline. Affected: yes. Observed: 1 variant allele.
Comment: AR: BS2

NM_000044.6(AR):c.167T>A (p.Leu56Gln)

Gene: AR (androgen receptor; plus strand). Cytogenetic location: Xq12.
Variant type: single nucleotide variant.
Coding change: c.167T>A on transcript NM_000044.6 (MANE Select); coding-DNA position 167, T replaced by A.
Protein change: p.Leu56Gln; replaces leucine 56 with glutamine.
Molecular consequence: missense variant. On other transcripts: 5 prime UTR variant (1).
Genome position (GRCh38, 1-based): chrX:67,545,313, T>A. VCF-style: chrX-67545313-T-A. GRCh37 (hg19) VCF-style: chrX-66765155-T-A.
Other names: c.-1617T>A (NM_001011645.3); c.167T>A, p.Leu56Gln (NM_001348061.1, NM_001348063.1, NM_001348064.1); short protein forms L56Q.
Identifiers: ClinVar variation 4820672 (VCV004820672.4).
Genomic context (GRCh38, chrX:67,545,313, plus strand): 5'-ACCCGGGCCCCAGGCACCCAGAGGCCGCGAGCGCAGCACCTCCCGGCGCCAGTTTGCTGC[T>A]GCTGCAGCAGCAGCAGCAGCAGCAGCAGCAGCAGCAGCAGCAGCAGCAGCAGCAGCAGCA-3'
Protein context (NP_000035.2, residues 46-66): SAAPPGASLL[Leu56Gln]LQQQQQQQQQ